The following is an entry in ClinVar:

NM_024514.5(CYP2R1):c.135del (p.Leu46fs)

Genes: CYP2R1 (cytochrome P450 family 2 subfamily R member 1; minus strand), PDE3B (phosphodiesterase 3B; plus strand). Cytogenetic location: 11p15.2.
Variant type: Deletion.
Coding change: c.135del on transcript NM_024514.5 (MANE Select); coding-DNA position 135, one base deleted (G; older notation c.135delG).
Protein change: p.Leu46fs; shifts the reading frame from leucine 46.
Molecular consequence: frameshift variant. On other transcripts: intron variant (3).
Genome position (GRCh38, 1-based): chr11:14,892,071, C deleted on the plus strand (G on the coding strand, the reverse complement: CYP2R1 is on the minus strand); the first of 4 consecutive C bases (chr11:14,892,071-14,892,074); deleting any one gives the same sequence. VCF-style (leftmost placement, unchanged base first): chr11-14892070-GC-G. GRCh37 (hg19) VCF-style: chr11-14913616-GC-G.
Other names: c.2887-6871del (NM_001429700.1); c.2887-6882del (NM_001429699.1); c.-121+294del (NM_001400558.1); short protein forms L46fs.
Identifiers: ClinVar variation 4706311 (VCV004706311.1).
Genomic context (GRCh38, chr11:14,892,070, plus strand): 5'-TGTAGACATGGGGAAGCTCGGATGAGGCTGCCAGGGAATAGATGTTGCCGATAAATGGCA[GC>G]CCCGGCGGCCCCGGGGGGAAGCCCATCGGCCGCCTCTGCTTCAGCAGCTGGCGGACCCCT-3'

ClinVar aggregate classification (germline): Pathogenic (1 of 4 stars; one submission).

Submission:

Labcorp Genetics (formerly Invitae), Labcorp
Classification: Pathogenic. Last evaluated: 2025-02-16. Review status: criteria provided, single submitter. Criteria: Invitae Variant Classification Sherloc (09022015). Collection method: clinical testing. Allele origin: germline.
Comment: This sequence change creates a premature translational stop signal (p.Leu46Cysfs*21) in the CYP2R1 gene. It is expected to result in an absent or disrupted protein product. Loss-of-function variants in CYP2R1 are known to be pathogenic (PMID: 15128933, 22855339, 25942481, 33715104). This variant is present in population databases (rs781889571, gnomAD 0.003%). This variant has not been reported in the literature in individuals affected with CYP2R1-related conditions. For these reasons, this variant has been classified as Pathogenic.

Literature cited by the submitters: PubMed 15128933; PubMed 22855339; PubMed 25942481; PubMed 33715104.